The following is an entry in ClinVar:

ClinVar aggregate classification (germline): Uncertain significance. Review status: criteria provided, multiple submitters, no conflicts (2 of 4 stars). 3 submissions from 3 submitters: Uncertain significance (3). Last evaluated 2024-05-26.

Conditions:
Hereditary cancer-predisposing syndrome. Also called: Hereditary Cancer Syndrome; Neoplastic Syndromes, Hereditary; Tumor predisposition; Hereditary neoplastic syndrome. Identifiers: Orphanet 140162, MedGen C0027672, MeSH D009386, MONDO:0015356.
Ataxia-telangiectasia syndrome (AT). Also called: Cerebello-oculocutaneous telangiectasia; Immunodeficiency with ataxia telangiectasia; Ataxia-telangiectasia, complementation group E; Ataxia-telangiectasia, complementation group D; AT, COMPLEMENTATION GROUP C; ATAXIA-TELANGIECTASIA, COMPLEMENTATION GROUP A. Identifiers: Orphanet 100, MedGen C0004135, MONDO:0008840, OMIM 208900.

Allele frequency attached by ClinVar (database versions not stated): gnomAD exomes below 0.00001.
gnomAD v4.1: 1 of 1,614,070 alleles (0.000062%); highest among the groups gnomAD compares: Non-Finnish European, 0.000085%; no homozygotes.

Submissions (3):

Labcorp Genetics (formerly Invitae), Labcorp
Classification: Uncertain significance for Ataxia-telangiectasia syndrome. Last evaluated: 2024-05-26. Review status: criteria provided, single submitter. Criteria: Invitae Variant Classification Sherloc (09022015). Collection method: clinical testing. Allele origin: germline.
Comment: This sequence change replaces methionine, which is neutral and non-polar, with isoleucine, which is neutral and non-polar, at codon 2315 of the ATM protein (p.Met2315Ile). This variant is not present in population databases (gnomAD no frequency). This variant has not been reported in the literature in individuals affected with ATM-related conditions. ClinVar contains an entry for this variant (Variation ID: 524231). An algorithm developed to predict the effect of missense changes on protein structure and function (PolyPhen-2) suggests that this variant is likely to be tolerated. In summary, the available evidence is currently insufficient to determine the role of this variant in disease. Therefore, it has been classified as a Variant of Uncertain Significance.

Color Diagnostics, LLC DBA Color Health
Classification: Uncertain significance for Hereditary cancer-predisposing syndrome. Last evaluated: 2023-12-05. Review status: criteria provided, single submitter. Criteria: ACMG Guidelines, 2015. Collection method: clinical testing. Allele origin: germline.
Comment: This missense variant replaces methionine with isoleucine at codon 2315 of the ATM protein. Computational prediction suggests that this variant may not impact protein structure and function (internally defined REVEL score threshold <= 0.5, PMID: 27666373). To our knowledge, functional studies have not been reported for this variant. This variant has not been reported in individuals affected with ATM-related disorders in the literature. This variant has not been identified in the general population by the Genome Aggregation Database (gnomAD). The available evidence is insufficient to determine the role of this variant in disease conclusively. Therefore, this variant is classified as a Variant of Uncertain Significance.

Ambry Genetics
Classification: Uncertain significance for Hereditary cancer-predisposing syndrome. Last evaluated: 2022-04-04. Review status: criteria provided, single submitter. Criteria: Ambry Variant Classification Scheme 2023. Collection method: clinical testing. Allele origin: germline.
Comment: The p.M2315I variant (also known as c.6945G>A), located in coding exon 46 of the ATM gene, results from a G to A substitution at nucleotide position 6945. The methionine at codon 2315 is replaced by isoleucine, an amino acid with highly similar properties. This amino acid position is conserved. In addition, this alteration is predicted to be tolerated by in silico analysis. Since supporting evidence is limited at this time, the clinical significance of this alteration remains unclear.

NM_000051.4(ATM):c.6945G>A (p.Met2315Ile)

Genes: C11orf65 (chromosome 11 open reading frame 65; minus strand), ATM (ATM serine/threonine kinase; plus strand). Cytogenetic location: 11q22.3.
Variant type: single nucleotide variant.
Coding change: c.6945G>A on transcript NM_000051.4 (MANE Select); coding-DNA position 6945, G replaced by A.
Protein change: p.Met2315Ile; replaces methionine 2315 with isoleucine.
Molecular consequence: missense variant. On other transcripts: intron variant (2).
Genome position (GRCh38, 1-based): chr11:108,326,195, G>A. VCF-style: chr11-108326195-G-A. GRCh37 (hg19) VCF-style: chr11-108196922-G-A.
Other names: c.6945G>A, p.Met2315Ile (NM_001351834.2); c.641-17124C>T (NM_001330368.2); c.*38+9025C>T (NM_001351110.2); short protein forms M2315I.
Identifiers: ClinVar variation 524231 (VCV000524231.14), dbSNP rs1555120014, ClinGen allele CA382557268.